The following is an entry in ClinVar:

ClinVar aggregate classification (germline): Conflicting classifications of pathogenicity. Review status: criteria provided, conflicting classifications (1 of 4 stars). 21 submissions from 17 submitters: Uncertain significance (5); Benign (7); Likely benign (8). 1 of the submissions does not count toward it. Last evaluated 2026-06-01.

Conditions:
Dilated cardiomyopathy 1G (CMD1G). Identifiers: Orphanet 154, MedGen C1858763, MONDO:0011400, OMIM 604145.
Autosomal recessive limb-girdle muscular dystrophy type 2J (LGMDR10). Also called: MUSCULAR DYSTROPHY, LIMB-GIRDLE, AUTOSOMAL RECESSIVE 10; Limb-girdle muscular dystrophy, type 2J. Identifiers: Orphanet 140922, MedGen C1837342, MONDO:0012127, OMIM 608807.
Cardiovascular phenotype. Identifiers: MedGen CN230736.
TTN-related disorder. Also called: TTN-related disorders; TTN-related condition; TTN-related disease.
Cardiomyopathy (CMYO). Also called: Cardiomyopathies. Identifiers: Orphanet 167848, MedGen C0878544, MONDO:0004994, HP:0001638. Inheritance: Various modes of inheritance.
Early-onset myopathy with fatal cardiomyopathy (CMYO5). Also called: CONGENITAL MYOPATHY 5 WITH CARDIOMYOPATHY; Salih Myopathy. Identifiers: Orphanet 289377, MedGen C2673677, MONDO:0012714, OMIM 611705. Disease mechanism: loss of function.
Myopathy, myofibrillar, 9, with early respiratory failure (MFM9). Also called: Myopathy, distal, with early respiratory failure, autosomal dominant; Hereditary myopathy with early respiratory failure; MYOPATHY, PROXIMAL, WITH EARLY RESPIRATORY MUSCLE INVOLVEMENT; EDSTROM MYOPATHY. Identifiers: Orphanet 178464, Orphanet 34521, MedGen C1863599, MONDO:0011362, OMIM 603689.
Tibial muscular dystrophy (TMD). Also called: Udd Distal Myopathy – Tibial Muscular Dystrophy; Tibial muscular dystrophy, tardive; UDD MYOPATHY. Identifiers: Orphanet 609, MedGen C1838244, MONDO:0010870, OMIM 600334.

Allele frequency attached by ClinVar (database versions not stated): TOPMed 0.00117; gnomAD 0.00087 and 0.00093; 1000 Genomes Project 30x 0.00125; ESP Exome Variant Server 0.00100; 1000 Genomes Project 0.00140.
gnomAD v4.1: 1,297 of 1,612,752 alleles (0.08%); highest among the groups gnomAD compares: Middle Eastern, 0.2%; 13 homozygotes.

Submissions (21):

CeGaT Center for Human Genetics Tuebingen
Classification: Likely benign. Last evaluated: 2026-06-01. Review status: criteria provided, single submitter. Criteria: CeGaT Center For Human Genetics Tuebingen Variant Classification Criteria Version 2. Collection method: clinical testing. Allele origin: germline. Affected: yes. Observed: 21 variant alleles.
Comment: TTN: BP4, BS2

Labcorp Genetics (formerly Invitae), Labcorp
Classification: Likely benign for Dilated cardiomyopathy 1G; Autosomal recessive limb-girdle muscular dystrophy type 2J. Last evaluated: 2026-02-03. Review status: criteria provided, single submitter. Criteria: Invitae Variant Classification Sherloc (09022015). Collection method: clinical testing. Allele origin: germline.

Mayo Clinic Laboratories, Mayo Clinic
Classification: Benign. Last evaluated: 2025-08-27. Review status: criteria provided, single submitter. Criteria: ACMG Guidelines, 2015. Collection method: clinical testing. Allele origin: germline. Observed: 8 variant alleles.
Comment: BS1, BS2, BP4_moderate

Molecular Diagnostic Laboratory for Inherited Cardiovascular Disease, Montreal Heart Institute
Classification: Likely benign. Last evaluated: 2025-04-09. Review status: criteria provided, single submitter. Criteria: ACMG Guidelines, 2015. Collection method: clinical testing. Allele origin: germline. Affected: no.

Blueprint Genetics
Classification: Likely benign. Last evaluated: 2024-11-20. Review status: criteria provided, single submitter. Criteria: ACMG Guidelines, 2015. Collection method: clinical testing. Allele origin: germline.

ARUP Laboratories, Molecular Genetics and Genomics, ARUP Laboratories
Classification: Likely benign. Last evaluated: 2024-07-25. Review status: criteria provided, single submitter. Criteria: ARUP Molecular Germline Variant Investigation Process 2024. Collection method: clinical testing. Allele origin: germline.

Women's Health and Genetics/Laboratory Corporation of America, LabCorp
Classification: Benign. Last evaluated: 2020-11-09. Review status: criteria provided, single submitter. Criteria: LabCorp Variant Classification Summary - May 2015. Collection method: clinical testing. Allele origin: germline.
Comment: Variant summary: TTN c.29321G>A (p.Arg9774Gln) results in a conservative amino acid change located in the I-band of the encoded protein sequence. Four of four in-silico tools predict a benign effect of the variant on protein function. The variant allele was found at a frequency of 0.00081 in 248694 control chromosomes in the gnomAD database, including 1 homozygotes. The observed variant frequency is approximately 2 fold of the estimated maximal expected allele frequency for a pathogenic variant in TTN causing Dilated Cardiomyopathy phenotype (0.00039), strongly suggesting that the variant is benign. Nine clinical diagnostic laboratories have submitted clinical-significance assessments for this variant to ClinVar after 2014 without evidence for independent evaluation. Multiple laboratories reported the variant with conflicting assessments (Benign/likely benign n=7, VUS n=2). Based on the evidence outlined above, the variant was classified as benign.

CHEO Genetics Diagnostic Laboratory, Children's Hospital of Eastern Ontario
Classification: Benign for Cardiomyopathy. Last evaluated: 2020-03-16. Review status: criteria provided, single submitter. Criteria: ACMG Guidelines, 2015. Collection method: clinical testing. Allele origin: germline. Study: Canadian Open Genetics Repository.

Centre for Mendelian Genomics, University Medical Centre Ljubljana
Classification: Likely benign for Tibial muscular dystrophy. Last evaluated: 2019-02-16. Review status: criteria provided, single submitter. Criteria: ACMG Guidelines, 2015. Collection method: clinical testing. Allele origin: unknown. Affected: yes.
Comment: This variant was classified as: Likely benign. The following ACMG criteria were applied in classifying this variant: BP1,BP4.

Athena Diagnostics
Classification: Benign. Last evaluated: 2018-10-22. Review status: criteria provided, single submitter. Criteria: Athena Diagnostics Criteria. Collection method: clinical testing. Allele origin: germline.

GeneDx
Classification: Benign. Last evaluated: 2018-05-01. Review status: criteria provided, single submitter. Criteria: GeneDx Variant Classification Process June 2021. Collection method: clinical testing. Allele origin: germline. Affected: yes.
Comment: This variant is associated with the following publications: (PMID: 23861362, 24503780)

Illumina Laboratory Services, Illumina
Classification: Uncertain significance for Dilated cardiomyopathy 1G. Last evaluated: 2018-01-12. Review status: criteria provided, single submitter. Criteria: ICSL Variant Classification Criteria 13 December 2019. Collection method: clinical testing. Allele origin: germline.

Illumina Laboratory Services, Illumina
Classification: Benign for Myopathy, myofibrillar, 9, with early respiratory failure. Last evaluated: 2018-01-12. Review status: criteria provided, single submitter. Criteria: ICSL Variant Classification Criteria 13 December 2019. Collection method: clinical testing. Allele origin: germline.
Comment: This variant was observed in the ICSL laboratory as part of a predisposition screen in an ostensibly healthy population. It had not been previously curated by ICSL or reported in the Human Gene Mutation Database (HGMD: prior to June 1st, 2018), and was therefore a candidate for classification through an automated scoring system. Utilizing variant allele frequency, disease prevalence and penetrance estimates, and inheritance mode, an automated score was calculated to assess if this variant is too frequent to cause the disease. Based on the score and internal cut-off values, a variant classified as benign is not then subjected to further curation. The score for this variant resulted in a classification of benign for this disease.

Illumina Laboratory Services, Illumina
Classification: Uncertain significance for Early-onset myopathy with fatal cardiomyopathy. Last evaluated: 2018-01-12. Review status: criteria provided, single submitter. Criteria: ICSL Variant Classification Criteria 13 December 2019. Collection method: clinical testing. Allele origin: germline.

Illumina Laboratory Services, Illumina
Classification: Benign for Tibial muscular dystrophy. Last evaluated: 2018-01-12. Review status: criteria provided, single submitter. Criteria: ICSL Variant Classification Criteria 13 December 2019. Collection method: clinical testing. Allele origin: germline.
Comment: the same text as in the submission from Illumina Laboratory Services, Illumina above.

Illumina Laboratory Services, Illumina
Classification: Uncertain significance for Autosomal recessive limb-girdle muscular dystrophy type 2J. Last evaluated: 2018-01-12. Review status: criteria provided, single submitter. Criteria: ICSL Variant Classification Criteria 13 December 2019. Collection method: clinical testing. Allele origin: germline.

Eurofins Ntd Llc (ga)
Classification: Uncertain significance. Last evaluated: 2017-11-10. Review status: criteria provided, single submitter. Criteria: EGL Classification Definitions 2015. Collection method: clinical testing. Allele origin: germline. Observed: 18 variant alleles, 17 heterozygotes.

Laboratory for Molecular Medicine, Mass General Brigham Personalized Medicine
Classification: Likely benign. Last evaluated: 2015-03-12. Review status: criteria provided, single submitter. Criteria: LMM Criteria. Collection method: clinical testing. Allele origin: germline. Observed: 9 variant alleles.
Comment: p.Arg9774Gln in exon 132 of TTN: This variant is not expected to have clinical s ignificance due to a lack of conservation across species, including mammals. Of note, 4 primates (rhesus, crab-eating macaque, baboon, and green monkey) have a glutamine (Gln) at this position despite high nearby amino acid conservation. Ad ditional computational prediction tools do not suggest a high likelihood of impa ct to the protein. This variant has been identified in 0.1% (70/66710) of Europe an chromosomes by the Exome Aggregation Consortium (ExAC; dbSNP rs72650034).

Biesecker Lab/Clinical Genomics Section, National Institutes of Health
Classification: Likely benign. Last evaluated: 2013-06-24. Review status: criteria provided, single submitter. Criteria: Ng et al. (Circ Cardiovasc Genet. 2013). Collection method: research. Allele origin: unknown. Observed: 2 variant alleles. Study: ClinSeq.
Comment: The study set was not selected for affection status in relation to any cancer. Pathogenicity categories were based on literature curation. See Pubmed ID:23861362 for details.

Medical sequencing

Ambry Genetics
Classification: Uncertain significance for Cardiovascular phenotype. Last evaluated: 2013-05-07. Review status: criteria provided, single submitter. Criteria: Ambry Autosomal Dominant and X-Linked criteria (10/2015). Collection method: clinical testing. Allele origin: germline. Observed: 1 variant allele.
Comment: There is insufficient or conflicting evidence for classification of this alteration.

PreventionGenetics, part of Exact Sciences
Classification: Likely benign for TTN-related condition. Last evaluated: 2020-03-20. Review status: no assertion criteria provided. Collection method: clinical testing. Allele origin: germline. Not counted in ClinVar's aggregate classification.
Comment: This variant is classified as likely benign based on ACMG/AMP sequence variant interpretation guidelines (Richards et al. 2015 PMID: 25741868, with internal and published modifications).

Literature cited by the submitters: PubMed 23861362 (cited by Mayo Clinic Laboratories, Mayo Clinic and Athena Diagnostics); PubMed 33393119 (cited by Mayo Clinic Laboratories, Mayo Clinic); PubMed 24503780 (cited by Athena Diagnostics).

NM_001267550.2(TTN):c.33053G>A (p.Arg11018Gln)

Gene: TTN (titin; minus strand). Cytogenetic location: 2q31.2.
Variant type: single nucleotide variant.
Coding change: c.33053G>A on transcript NM_001267550.2 (MANE Select); coding-DNA position 33053, G replaced by A.
Protein change: p.Arg11018Gln; replaces arginine 11018 with glutamine.
Molecular consequence: missense variant. On other transcripts: intron variant (3).
Genome position (GRCh38, 1-based): chr2:178,682,738, C>T on the plus strand (G>A on the coding strand, the complement: TTN is on the minus strand). VCF-style: chr2-178682738-C-T. GRCh37 (hg19) VCF-style: chr2-179547465-C-T.
Other names: p.R10701Q:CGG>CAG; p.Arg10701Gln; c.32102G>A, p.Arg10701Gln (NM_001256850.1); c.29321G>A, p.Arg9774Gln (NM_133378.4); c.13283-40421G>A (NM_003319.4); c.13859-40421G>A (NM_133437.4); c.13658-40421G>A (NM_133432.3); short protein forms R11018Q, R9774Q, R10701Q.
Identifiers: ClinVar variation 46882 (VCV000046882.68), dbSNP rs72650034, ClinGen allele CA139426.